The following is an entry in ClinVar:

NM_015512.5(DNAH1):c.8938del (p.Glu2980fs)

Gene: DNAH1 (dynein axonemal heavy chain 1; plus strand). Cytogenetic location: 3p21.1.
Variant type: Deletion.
Coding change: c.8938del on transcript NM_015512.5 (MANE Select); coding-DNA position 8938, one base deleted (G; older notation c.8938delG).
Protein change: p.Glu2980fs; shifts the reading frame from glutamic acid 2980.
Molecular consequence: frameshift variant.
Genome position (GRCh38, 1-based): chr3:52,386,788, G deleted; the last of 3 consecutive G bases (chr3:52,386,786-52,386,788); deleting any one gives the same sequence. VCF-style (leftmost placement, unchanged base first): chr3-52386785-TG-T. GRCh37 (hg19) VCF-style: chr3-52420801-TG-T.
Other names: short protein forms E2980fs.
Identifiers: ClinVar variation 4792499 (VCV004792499.1).
Genomic context (GRCh38, chr3:52,386,785, plus strand): 5'-AAAGGCATCAAGCCCAAGAAGGTGCCTGGAGAAAAGCCAGGCACCAAGGTGGATGACTAC[TG>T]GGAGCCTGGCAAGGGGCTGCTGCAGGACCCGGGCCACTTCCTTGAGAGCCTCTTCAAGTT-3'

ClinVar aggregate classification (germline): Pathogenic (1 of 4 stars; one submission).

Conditions:
Spermatogenic failure 18. Identifiers: MedGen C4539783, MONDO:0054615, OMIM 617576.
Ciliary dyskinesia, primary, 37 (CILD37). Also called: CILIARY DYSKINESIA, PRIMARY, 37, WITH OR WITHOUT SITUS INVERSUS. Identifiers: MedGen C4539798, MONDO:0033204, OMIM 617577.

Submission:

Labcorp Genetics (formerly Invitae), Labcorp
Classification: Pathogenic for Ciliary dyskinesia, primary, 37; Spermatogenic failure 18. Last evaluated: 2025-10-28. Review status: criteria provided, single submitter. Criteria: Invitae Variant Classification Sherloc (09022015). Collection method: clinical testing. Allele origin: germline.
Comment: This sequence change creates a premature translational stop signal (p.Glu2980Serfs*29) in the DNAH1 gene. It is expected to result in an absent or disrupted protein product. Loss-of-function variants in DNAH1 are known to be pathogenic (PMID: 27573432, 27798045). This variant is not present in population databases (gnomAD no frequency). This variant has not been reported in the literature in individuals affected with DNAH1-related conditions. For these reasons, this variant has been classified as Pathogenic.

Literature cited by the submitters: PubMed 27573432; PubMed 27798045.